The following is an entry in ClinVar:

ClinVar aggregate classification (germline): Uncertain significance (1 of 4 stars; one submission).

Conditions:
Megalencephaly-polymicrogyria-postaxial polydactyly-hydrocephalus syndrome. Also called: MEG-PMG-MEGACC SYNDROME; MPPH Syndrome. Identifiers: Orphanet 83473, MedGen C1863924, MONDO:0019375.

gnomAD v4.1: 1 of 1,613,920 alleles (0.000062%); highest among the groups gnomAD compares: Non-Finnish European, 0.000085%; no homozygotes.

Submission:

Labcorp Genetics (formerly Invitae), Labcorp
Classification: Uncertain significance for Megalencephaly-polymicrogyria-postaxial polydactyly-hydrocephalus syndrome. Last evaluated: 2024-03-21. Review status: criteria provided, single submitter. Criteria: Invitae Variant Classification Sherloc (09022015). Collection method: clinical testing. Allele origin: germline.
Comment: This sequence change replaces methionine, which is neutral and non-polar, with threonine, which is neutral and polar, at codon 635 of the PIK3R2 protein (p.Met635Thr). This variant is not present in population databases (gnomAD no frequency). This variant has not been reported in the literature in individuals affected with PIK3R2-related conditions. Advanced modeling of protein sequence and biophysical properties (such as structural, functional, and spatial information, amino acid conservation, physicochemical variation, residue mobility, and thermodynamic stability) has been performed at Invitae for this missense variant, however the output from this modeling did not meet the statistical confidence thresholds required to predict the impact of this variant on PIK3R2 protein function. In summary, the available evidence is currently insufficient to determine the role of this variant in disease. Therefore, it has been classified as a Variant of Uncertain Significance.

NM_005027.4(PIK3R2):c.1904T>C (p.Met635Thr)

Gene: PIK3R2 (phosphoinositide-3-kinase regulatory subunit 2; plus strand). Cytogenetic location: 19p13.11.
Variant type: single nucleotide variant.
Coding change: c.1904T>C on transcript NM_005027.4 (MANE Select); coding-DNA position 1904, T replaced by C.
Protein change: p.Met635Thr; replaces methionine 635 with threonine.
Molecular consequence: missense variant. On other transcripts: non-coding transcript variant (2).
Genome position (GRCh38, 1-based): chr19:18,168,821, T>C. VCF-style: chr19-18168821-T-C. GRCh37 (hg19) VCF-style: chr19-18279631-T-C.
Other names: short protein forms M635T.
Identifiers: ClinVar variation 3647215 (VCV003647215.2).